The following is an entry in ClinVar:

ClinVar aggregate classification (germline): Uncertain significance (1 of 4 stars; one submission).

Submission:

Seattle Children's Hospital Molecular Genetics Laboratory, Seattle Children's Hospital
Classification: Uncertain significance. Last evaluated: 2020-12-07. Review status: criteria provided, single submitter. Criteria: ACMG Guidelines, 2015. Collection method: clinical testing. Allele origin: germline. Affected: yes.
Comment: A heterozygous variant of uncertain clinical significance was identified in exon 3 of FLT4 (NM_182925.5: c.356G>T, p.Arg119Leu). This variant is not reported in the literature, control population database (gnomAD), nor in ClinVar. The substitution of the arginine at position 119 with leucine is predicted to be tolerated by several in silico tools. This residue is not conserved across species.

NM_182925.5(FLT4):c.356G>T (p.Arg119Leu)

Gene: FLT4 (fms related receptor tyrosine kinase 4; minus strand). Cytogenetic location: 5q35.3.
Variant type: single nucleotide variant.
Coding change: c.356G>T on transcript NM_182925.5 (MANE Select); coding-DNA position 356, G replaced by T.
Protein change: p.Arg119Leu; replaces arginine 119 with leucine.
Molecular consequence: missense variant.
Genome position (GRCh38, 1-based): chr5:180,630,599, C>A on the plus strand (G>T on the coding strand, the complement: FLT4 is on the minus strand). VCF-style: chr5-180630599-C-A. GRCh37 (hg19) VCF-style: chr5-180057599-C-A.
Other names: c.356G>T, p.Arg119Leu (NM_001354989.2, NM_002020.5); short protein forms R119L.
Identifiers: ClinVar variation 1691358 (VCV001691358.2), dbSNP rs751885535, ClinGen allele CA362506814.